The following is an entry in ClinVar:

ClinVar aggregate classification (germline): Uncertain significance (1 of 4 stars; one submission).

Conditions:
Hereditary cancer-predisposing syndrome. Also called: Neoplastic Syndromes, Hereditary; Tumor predisposition; Hereditary Cancer Syndrome; Hereditary neoplastic syndrome. Identifiers: Orphanet 140162, MedGen C0027672, MeSH D009386, MONDO:0015356.

Submission:

Ambry Genetics
Classification: Uncertain significance for Hereditary cancer-predisposing syndrome. Last evaluated: 2026-01-14. Review status: criteria provided, single submitter. Criteria: Ambry Variant Classification Scheme 2023. Collection method: clinical testing. Allele origin: germline.
Comment: The p.E1083A variant (also known as c.3248A>C), located in coding exon 12 of the PALB2 gene, results from an A to C substitution at nucleotide position 3248. The glutamic acid at codon 1083 is replaced by alanine, an amino acid with dissimilar properties. This amino acid position is conserved. In addition, this alteration is predicted to be tolerated by in silico analysis. Based on the available evidence, the clinical significance of this variant remains unclear.

NM_024675.4(PALB2):c.3248A>C (p.Glu1083Ala)

Gene: PALB2 (partner and localizer of BRCA2; minus strand). Cytogenetic location: 16p12.2.
Variant type: single nucleotide variant.
Coding change: c.3248A>C on transcript NM_024675.4 (MANE Select); coding-DNA position 3248, A replaced by C.
Protein change: p.Glu1083Ala; replaces glutamic acid 1083 with alanine.
Molecular consequence: missense variant. On other transcripts: intron variant (8).
Genome position (GRCh38, 1-based): chr16:23,607,966, T>G on the plus strand (A>C on the coding strand, the complement: PALB2 is on the minus strand). VCF-style: chr16-23607966-T-G. GRCh37 (hg19) VCF-style: chr16-23619287-T-G.
Other names: c.3188A>C, p.Glu1063Ala (NM_001407296.1); c.3176A>C, p.Glu1059Ala (NM_001407297.1); c.3086A>C, p.Glu1029Ala (NM_001407298.1); c.2969A>C, p.Glu990Ala (NM_001407300.1); c.2363A>C, p.Glu788Ala (NM_001407304.1, NM_001407305.1, NM_001407306.1); c.2201A>C, p.Glu734Ala (NM_001407307.1); c.1460A>C, p.Glu487Ala (NM_001407312.1); c.782A>C, p.Glu261Ala (NM_001407314.1); and 6 more; short protein forms E1083A, E261A, E1029A, E1059A, E1063A, E734A, E990A, E487A.
Identifiers: ClinVar variation 4843739 (VCV004843739.1).